The following is an entry in ClinVar:

ClinVar aggregate classification (germline): Likely benign. Review status: criteria provided, multiple submitters, no conflicts (2 of 4 stars). 6 submissions from 6 submitters: Likely benign (6). Last evaluated 2026-01-13.

Conditions:
Myofibrillar myopathy 5. Also called: FILAMINOPATHY, AUTOSOMAL DOMINANT; Filaminopathy (type). Identifiers: Orphanet 171445, MedGen C1836050, MONDO:0012289, OMIM 609524.
Hypertrophic cardiomyopathy 26. Also called: Cardiomyopathy, familial hypertrophic, 26. Identifiers: Orphanet 75249, MedGen C4310749, MONDO:0014883, OMIM 617047.
Distal myopathy with posterior leg and anterior hand involvement. Also called: WILLIAMS DISTAL MYOPATHY. Identifiers: Orphanet 63273, MedGen C3279722, MONDO:0013550, OMIM 614065.
FLNC-related disorder. Also called: FLNC-related disorders; FLNC-related condition.
Cardiovascular phenotype. Identifiers: MedGen CN230736.

Allele frequency attached by ClinVar (database versions not stated): ExAC 0.00003; gnomAD exomes 0.00004; gnomAD 0.00016 and 0.00017; TOPMed 0.00019.
gnomAD v4.1: 55 of 1,613,744 alleles (0.0034%); highest among the groups gnomAD compares: African/African-American, 0.052%; 1 homozygote.

Submissions (6):

Labcorp Genetics (formerly Invitae), Labcorp
Classification: Likely benign for Distal myopathy with posterior leg and anterior hand involvement; Myofibrillar myopathy 5; Hypertrophic cardiomyopathy 26. Last evaluated: 2026-01-13. Review status: criteria provided, single submitter. Criteria: Invitae Variant Classification Sherloc (09022015). Collection method: clinical testing. Allele origin: germline.

PreventionGenetics, part of Exact Sciences
Classification: Likely benign for FLNC-related condition. Last evaluated: 2025-06-18. Review status: criteria provided, single submitter. Criteria: ACMG Guidelines, 2015. Collection method: clinical testing. Allele origin: germline.
Comment: This variant is classified as likely benign based on ACMG/AMP sequence variant interpretation guidelines (Richards et al. 2015 PMID: 25741868, with internal and published modifications).

ARUP Laboratories, Molecular Genetics and Genomics, ARUP Laboratories
Classification: Likely benign. Last evaluated: 2025-05-18. Review status: criteria provided, single submitter. Criteria: ARUP Molecular Germline Variant Investigation Process 2024. Collection method: clinical testing. Allele origin: germline.

Women's Health and Genetics/Laboratory Corporation of America, LabCorp
Classification: Likely benign. Last evaluated: 2023-08-19. Review status: criteria provided, single submitter. Criteria: LabCorp Variant Classification Summary - May 2015. Collection method: clinical testing. Allele origin: germline.

GeneDx
Classification: Likely benign. Last evaluated: 2020-11-30. Review status: criteria provided, single submitter. Criteria: GeneDx Variant Classification Process June 2021. Collection method: clinical testing. Allele origin: germline. Affected: yes.

Ambry Genetics
Classification: Likely benign for Cardiovascular phenotype. Last evaluated: 2019-02-05. Review status: criteria provided, single submitter. Criteria: Ambry Variant Classification Scheme 2023. Collection method: clinical testing. Allele origin: germline.

NM_001458.5(FLNC):c.3510C>T (p.Val1170=)

Gene: FLNC (filamin C; plus strand). Cytogenetic location: 7q32.1.
Variant type: single nucleotide variant.
Coding change: c.3510C>T on transcript NM_001458.5 (MANE Select); coding-DNA position 3510, C replaced by T.
Protein change: p.Val1170=; no amino-acid change (valine 1170 retained).
Molecular consequence: synonymous variant.
Genome position (GRCh38, 1-based): chr7:128,844,975, C>T. VCF-style: chr7-128844975-C-T. GRCh37 (hg19) VCF-style: chr7-128485029-C-T.
Other names: c.3510C>T, p.Val1170= (NM_001127487.2).
Identifiers: ClinVar variation 472039 (VCV000472039.18), dbSNP rs745571747, ClinGen allele CA4475063.